The following is an entry in ClinVar:

NM_018100.4(EFHC1):c.*1025AT[24]

Gene: EFHC1 (EF-hand domain containing 1; plus strand). Cytogenetic location: 6p12.2.
Variant type: Microsatellite.
Coding change: c.*1025AT[24] on transcript NM_018100.4 (MANE Select); 24 copies in a row of the 2-base unit AT starting at c.*1025.
Molecular consequence: 3 prime UTR variant. On other transcripts: non-coding transcript variant (1).
Genome position: GRCh38 VCF-style: chr6-52493365-C-CATATATATATATATATATATATATATAT. GRCh37 (hg19) VCF-style: chr6-52358163-C-CATATATATATATATATATATATATATAT.
Other names: c.*1025AT[24] (NM_001172420.2).
Identifiers: ClinVar variation 2656643 (VCV002656643.24), dbSNP rs59794069, ClinGen allele CA825769419.

ClinVar aggregate classification (germline): Likely benign (1 of 4 stars; one submission).

Submission:

CeGaT Center for Human Genetics Tuebingen
Classification: Likely benign. Last evaluated: 2023-01-01. Review status: criteria provided, single submitter. Criteria: CeGaT Center For Human Genetics Tuebingen Variant Classification Criteria Version 2. Collection method: clinical testing. Allele origin: germline. Affected: yes. Observed: 1 variant allele.
Comment: EFHC1: BS2